The following is an entry in ClinVar:

ClinVar aggregate classification (germline): Pathogenic. Review status: criteria provided, multiple submitters, no conflicts (2 of 4 stars). 4 submissions from 4 submitters: Pathogenic (2). 2 of the submissions do not count toward it. Last evaluated 2024-05-17.

Conditions:
Stuve-Wiedemann syndrome (STWS). Also called: Stüve-Wiedemann syndrome. Identifiers: Orphanet 3206, MedGen C0796176, MONDO:0031280.

Allele frequency attached by ClinVar (database versions not stated): ExAC 0.00001; gnomAD 0.00001; TOPMed 0.00002; 1000 Genomes Project 0.00020; 1000 Genomes Project 30x 0.00031.
gnomAD v4.1: 4 of 1,613,890 alleles (0.00025%); highest among the groups gnomAD compares: Admixed American, 0.0017%; no homozygotes.

Submissions (4):

Natera, Inc.
Classification: Pathogenic for Stuve-Wiedemann syndrome. Last evaluated: 2024-05-17. Review status: criteria provided, single submitter. Criteria: Natera Variant Classification Schema (03/2026). Collection method: clinical testing. Allele origin: germline.
Comment: The c.1789C>T variant in LIFR is a nonsense variant predicted to introduce a stop codon at amino acid 597. This variant is expected to result in nonsense mediated decay, truncation, or a dysfunctional protein product. This variant is rare in the general population with a frequency below the threshold expected for the associated phenotype(s). This variant has been observed in one or more individuals affected with the associated recessive disease, as either homozygous or compound heterozygous with a second variant (PMID: 14740318). Given the available evidence, this variant is classified as Pathogenic.

Labcorp Genetics (formerly Invitae), Labcorp
Classification: Pathogenic. Last evaluated: 2024-05-06. Review status: criteria provided, single submitter. Criteria: Invitae Variant Classification Sherloc (09022015). Collection method: clinical testing. Allele origin: germline.
Comment: This sequence change creates a premature translational stop signal (p.Arg597*) in the LIFR gene. It is expected to result in an absent or disrupted protein product. Loss-of-function variants in LIFR are known to be pathogenic (PMID: 14740318). This variant is present in population databases (rs121912501, gnomAD 0.003%). This premature translational stop signal has been observed in individuals with Stuve-Wiedemann syndrome (PMID: 14740318). ClinVar contains an entry for this variant (Variation ID: 14460). For these reasons, this variant has been classified as Pathogenic.

OMIM
Classification: Pathogenic for STUVE-WIEDEMANN SYNDROME 1. Last evaluated: 2004-02-01. Review status: no assertion criteria provided. Collection method: literature only. Allele origin: germline. Not counted in ClinVar's aggregate classification.

Lupski Lab, Baylor-Hopkins CMG, Baylor College of Medicine
Classification: Pathogenic for Stüve-Wiedemann syndrome 1. Review status: no assertion criteria provided. Collection method: research. Allele origin: inherited. Inheritance: Autosomal recessive inheritance. Affected: yes. Observed: 3 variant alleles, 2 heterozygotes, 1 homozygote. Not counted in ClinVar's aggregate classification.

Literature cited by the submitters: PubMed 14740318 (cited by 3 submitters); PubMed 26752647 (cited by Lupski Lab, Baylor-Hopkins CMG, Baylor College of Medicine).

NM_001127671.2(LIFR):c.1789C>T (p.Arg597Ter)

Gene: LIFR (LIF receptor subunit alpha; minus strand). Cytogenetic location: 5p13.1.
Variant type: single nucleotide variant.
Coding change: c.1789C>T on transcript NM_001127671.2 (MANE Select); coding-DNA position 1789, C replaced by T.
Protein change: p.Arg597Ter; replaces arginine 597 with a stop codon.
Molecular consequence: nonsense.
Genome position (GRCh38, 1-based): chr5:38,496,478, G>A on the plus strand (C>T on the coding strand, the complement: LIFR is on the minus strand). VCF-style: chr5-38496478-G-A. GRCh37 (hg19) VCF-style: chr5-38496580-G-A.
Other names: c.1789C>T, p.Arg597Ter (NM_001364297.2, NM_001364298.2, NM_002310.6); c.1789C>T (NM_002310.5); short protein forms R597*.
Identifiers: ClinVar variation 14460 (VCV000014460.14), dbSNP rs121912501, ClinGen allele CA123973.